The following is an entry in ClinVar:

ClinVar aggregate classification (germline): Benign/Likely benign. Review status: criteria provided, multiple submitters, no conflicts (2 of 4 stars). 4 submissions from 4 submitters: Benign (1); Likely benign (2). 1 of the submissions does not count toward it. Last evaluated 2025-11-05.

Conditions:
IFITM5-related disorder. Also called: IFITM5-related condition.
Osteogenesis imperfecta (OI). Identifiers: Orphanet 666, MedGen C0029434, MeSH D010013, MONDO:0019019.

Allele frequency attached by ClinVar (database versions not stated): gnomAD 0.00013 and 0.00020; TOPMed 0.00016; gnomAD exomes 0.00025 and 0.00051; ExAC 0.00102.
gnomAD v4.1: 378 of 1,524,766 alleles (0.025%); highest among the groups gnomAD compares: South Asian, 0.25%; 4 homozygotes.

Submissions (4):

Labcorp Genetics (formerly Invitae), Labcorp
Classification: Benign. Last evaluated: 2025-11-05. Review status: criteria provided, single submitter. Criteria: Invitae Variant Classification Sherloc (09022015). Collection method: clinical testing. Allele origin: germline.

Blueprint Genetics
Classification: Likely benign. Last evaluated: 2024-10-25. Review status: criteria provided, single submitter. Criteria: ACMG Guidelines, 2015. Collection method: clinical testing. Allele origin: germline.

Genome Diagnostics Laboratory, The Hospital for Sick Children
Classification: Likely benign for Osteogenesis imperfecta. Last evaluated: 2020-04-01. Review status: criteria provided, single submitter. Criteria: ACMG Guidelines, 2015. Collection method: clinical testing. Allele origin: germline.

PreventionGenetics, part of Exact Sciences
Classification: Likely benign for IFITM5-related condition. Last evaluated: 2019-05-08. Review status: no assertion criteria provided. Collection method: clinical testing. Allele origin: germline. Not counted in ClinVar's aggregate classification.
Comment: This variant is classified as likely benign based on ACMG/AMP sequence variant interpretation guidelines (Richards et al. 2015 PMID: 25741868, with internal and published modifications).

NM_001025295.3(IFITM5):c.42G>A (p.Thr14=)

Gene: IFITM5 (interferon induced transmembrane protein 5; minus strand). Cytogenetic location: 11p15.5.
Variant type: single nucleotide variant.
Coding change: c.42G>A on transcript NM_001025295.3 (MANE Select); coding-DNA position 42, G replaced by A.
Protein change: p.Thr14=; no amino-acid change (threonine 14 retained).
Molecular consequence: synonymous variant.
Genome position (GRCh38, 1-based): chr11:299,449, C>T on the plus strand (G>A on the coding strand, the complement: IFITM5 is on the minus strand). VCF-style: chr11-299449-C-T. GRCh37 (hg19) VCF-style: chr11-299449-C-T.
Identifiers: ClinVar variation 1539704 (VCV001539704.14), dbSNP rs775669597, ClinGen allele CA5773524.